The following is an entry in ClinVar:

ClinVar aggregate classification (germline): Uncertain significance (1 of 4 stars; one submission).

Conditions:
Epilepsy, familial focal, with variable foci 3 (FFEVF3). Identifiers: MedGen C4310708, MONDO:0014925, OMIM 617118.

Allele frequency attached by ClinVar (database versions not stated): TOPMed below 0.00001; gnomAD 0.00001; gnomAD exomes 0.00003.
gnomAD v4.1: 42 of 1,613,222 alleles (0.0026%); highest among the groups gnomAD compares: Non-Finnish European, 0.0035%; no homozygotes.

Submission:

Labcorp Genetics (formerly Invitae), Labcorp
Classification: Uncertain significance for Epilepsy, familial focal, with variable foci 3. Last evaluated: 2024-04-25. Review status: criteria provided, single submitter. Criteria: Invitae Variant Classification Sherloc (09022015). Collection method: clinical testing. Allele origin: germline.
Comment: This sequence change affects codon 344 of the NPRL3 mRNA. It is a 'silent' change, meaning that it does not change the encoded amino acid sequence of the NPRL3 protein. It affects a nucleotide within the consensus splice site. This variant is not present in population databases (gnomAD no frequency). This variant has not been reported in the literature in individuals affected with NPRL3-related conditions. ClinVar contains an entry for this variant (Variation ID: 1040608). Algorithms developed to predict the effect of sequence changes on RNA splicing suggest that this variant is not likely to affect RNA splicing. In summary, the available evidence is currently insufficient to determine the role of this variant in disease. Therefore, it has been classified as a Variant of Uncertain Significance.

NM_001077350.3(NPRL3):c.1032G>A (p.Leu344=)

Genes: HBA-LCR (alpha-globin locus control region; plus strand), NPRL3 (NPR3 like, GATOR1 complex subunit; minus strand). Cytogenetic location: 16p13.3.
Variant type: single nucleotide variant.
Coding change: c.1032G>A on transcript NM_001077350.3 (MANE Select); coding-DNA position 1032, G replaced by A.
Protein change: p.Leu344=; no amino-acid change (leucine 344 retained).
Molecular consequence: synonymous variant.
Genome position (GRCh38, 1-based): chr16:92,725, C>T on the plus strand (G>A on the coding strand, the complement: NPRL3 is on the minus strand). VCF-style: chr16-92725-C-T. GRCh37 (hg19) VCF-style: chr16-142723-C-T.
Other names: c.495G>A, p.Leu165= (NM_001039476.3); c.798G>A, p.Leu266= (NM_001243247.2); c.957G>A, p.Leu319= (NM_001243248.2, NM_001243249.2).
Identifiers: ClinVar variation 1040608 (VCV001040608.6), dbSNP rs745938544, ClinGen allele CA276460922.
Genomic context (GRCh38, chr16:92,725, plus strand): 5'-AACGGACGGCAGGTCATGAGATGGGAACTGGTGGGAGAACTGCTCGGCCAGCGGGGAGTA[C>T]CTGCAGGCAGGTGAGCATGCCAGTGAGTGCAGCAGACCCCCCCACCGTGTTCTCAACACT-3'
Protein context (NP_001070818.1, residues 334-354): YMLSPNASVC[Leu344=]YSPLAEQFSH